The following is an entry in ClinVar:

ClinVar aggregate classification (germline): Uncertain significance. Review status: criteria provided, multiple submitters, no conflicts (2 of 4 stars). 5 submissions from 5 submitters: Uncertain significance (5). Last evaluated 2026-05-08.

Conditions:
TFG-related disorder. Also called: TFG-related condition; TFG-related disorders.
Hereditary motor and sensory neuropathy, Okinawa type (HMSNO). Also called: HEREDITARY MOTOR AND SENSORY NEUROPATHY, PROXIMAL TYPE. Identifiers: Orphanet 90117, MedGen C1858338, MONDO:0011468, OMIM 604484.
Hereditary spastic paraplegia 57. Also called: Spastic paraplegia 57, autosomal recessive. Identifiers: Orphanet 431329, MedGen C3714897, MONDO:0014295, OMIM 615658.

Allele frequency attached by ClinVar (database versions not stated): gnomAD exomes 0.00002; TOPMed 0.00005; gnomAD 0.00006; ESP Exome Variant Server 0.00008; 1000 Genomes Project 0.00020; 1000 Genomes Project 30x 0.00031.
gnomAD v4.1: 45 of 1,614,096 alleles (0.0028%); highest among the groups gnomAD compares: African/African-American, 0.011%; no homozygotes.

Submissions (5):

PreventionGenetics, part of Exact Sciences
Classification: Uncertain significance for TFG-related condition. Last evaluated: 2026-05-08. Review status: criteria provided, single submitter. Criteria: ACMG Guidelines, 2015. Collection method: clinical testing. Allele origin: germline.
Comment: The TFG c.1147C>T variant is predicted to result in the amino acid substitution p.Arg383Cys. To our knowledge, this variant has not been reported in the literature or in a large population database (gnomAD), indicating this variant is rare. An alternate missense change at the same amino acid (p.Arg383His) has been reported in individuals with Parkinson's disease or amyotrophic lateral sclerosis (Yoo et al. 2022. PubMed ID: 34779525; Li et al. 2022. PubMed ID: 35642252). At this time, the clinical significance of this p.Arg383Cys variant is uncertain due to the absence of conclusive functional and genetic evidence.

Labcorp Genetics (formerly Invitae), Labcorp
Classification: Uncertain significance for Hereditary motor and sensory neuropathy, Okinawa type; Hereditary spastic paraplegia 57. Last evaluated: 2025-12-09. Review status: criteria provided, single submitter. Criteria: Invitae Variant Classification Sherloc (09022015). Collection method: clinical testing. Allele origin: germline.
Comment: This sequence change replaces arginine, which is basic and polar, with cysteine, which is neutral and slightly polar, at codon 383 of the TFG protein (p.Arg383Cys). This variant is present in population databases (rs146078119, gnomAD 0.005%). This variant has not been reported in the literature in individuals affected with TFG-related conditions. ClinVar contains an entry for this variant (Variation ID: 1313772). Invitae Evidence Modeling of protein sequence and biophysical properties (such as structural, functional, and spatial information, amino acid conservation, physicochemical variation, residue mobility, and thermodynamic stability) indicates that this missense variant is not expected to disrupt TFG protein function with a negative predictive value of 80%. In summary, the available evidence is currently insufficient to determine the role of this variant in disease. Therefore, it has been classified as a Variant of Uncertain Significance.

GeneDx
Classification: Uncertain significance. Last evaluated: 2023-10-18. Review status: criteria provided, single submitter. Criteria: GeneDx Variant Classification Process June 2021. Collection method: clinical testing. Allele origin: germline. Affected: yes.
Comment: In silico analysis supports that this missense variant has a deleterious effect on protein structure/function; Has not been previously published as pathogenic or benign to our knowledge

CeGaT Center for Human Genetics Tuebingen
Classification: Uncertain significance. Last evaluated: 2023-10-01. Review status: criteria provided, single submitter. Criteria: CeGaT Center For Human Genetics Tuebingen Variant Classification Criteria Version 2. Collection method: clinical testing. Allele origin: germline. Affected: yes. Observed: 1 variant allele.
Comment: TFG: PM2, PM5

Mayo Clinic Laboratories, Mayo Clinic
Classification: Uncertain significance. Last evaluated: 2021-04-20. Review status: criteria provided, single submitter. Criteria: ACMG Guidelines, 2015. Collection method: clinical testing. Allele origin: germline.

NM_006070.6(TFG):c.1147C>T (p.Arg383Cys)

Gene: TFG (trafficking from ER to golgi regulator; plus strand). Cytogenetic location: 3q12.2.
Variant type: single nucleotide variant.
Coding change: c.1147C>T on transcript NM_006070.6 (MANE Select); coding-DNA position 1147, C replaced by T.
Protein change: p.Arg383Cys; replaces arginine 383 with cysteine.
Molecular consequence: missense variant.
Genome position (GRCh38, 1-based): chr3:100,748,475, C>T. VCF-style: chr3-100748475-C-T. GRCh37 (hg19) VCF-style: chr3-100467319-C-T.
Other names: p.Arg383Cys; c.1147C>T, p.Arg383Cys (NM_001007565.2, NM_001195478.2); c.1135C>T, p.Arg379Cys (NM_001195479.2); short protein forms R379C, R383C.
Identifiers: ClinVar variation 1313772 (VCV001313772.38), dbSNP rs146078119, ClinGen allele CA79715090.